The following is an entry in ClinVar:

ClinVar aggregate classification (germline): Uncertain significance (1 of 4 stars; one submission).

Conditions:
Primary ciliary dyskinesia. Also called: Ciliary dyskinesia. Identifiers: Orphanet 244, MedGen C0008780, MONDO:0016575, HP:0012265.

Submission:

Ambry Genetics
Classification: Uncertain significance for Primary ciliary dyskinesia. Last evaluated: 2022-06-12. Review status: criteria provided, single submitter. Criteria: Ambry Variant Classification Scheme 2023. Collection method: clinical testing. Allele origin: germline.
Comment: The p.L568F variant (also known as c.1702C>T), located in coding exon 11 of the CCDC40 gene, results from a C to T substitution at nucleotide position 1702. The leucine at codon 568 is replaced by phenylalanine, an amino acid with highly similar properties. This amino acid position is conserved. In addition, this alteration is predicted to be tolerated by in silico analysis. Since supporting evidence is limited at this time, the clinical significance of this alteration remains unclear.

NM_017950.4(CCDC40):c.1702C>T (p.Leu568Phe)

Gene: CCDC40 (coiled-coil domain 40 molecular ruler complex subunit; plus strand). Cytogenetic location: 17q25.3.
Variant type: single nucleotide variant.
Coding change: c.1702C>T on transcript NM_017950.4 (MANE Select); coding-DNA position 1702, C replaced by T.
Protein change: p.Leu568Phe; replaces leucine 568 with phenylalanine.
Molecular consequence: missense variant.
Genome position (GRCh38, 1-based): chr17:80,081,685, C>T. VCF-style: chr17-80081685-C-T. GRCh37 (hg19) VCF-style: chr17-78055484-C-T.
Other names: c.1702C>T, p.Leu568Phe (NM_001243342.2); short protein forms L568F.
Identifiers: ClinVar variation 1778375 (VCV001778375.2), dbSNP rs2510311931, ClinGen allele CA401337244.
Genomic context (GRCh38, chr17:80,081,685, plus strand): 5'-AACGAGAAGCTGGCGAGCATCCTGAACCGGACAGAGACGGAAGCCACACTGCTGCAGAAG[C>T]TCACCACCCAGTGCCTGACCAAGCAGGTGGCCCTGCAGAGCCAGTTCAATACCTACAGGC-3'
Protein context (NP_060420.2, residues 558-578): TETEATLLQK[Leu568Phe]TTQCLTKQVA